The following is an entry in ClinVar:

ClinVar aggregate classification (germline): Uncertain significance (0 of 4 stars; one submission).

Conditions:
MAGEL2-related disorder. Also called: MAGEL2-related condition.

gnomAD v4.1: 14 of 1,523,648 alleles (0.00092%); highest among the groups gnomAD compares: Non-Finnish European, 0.0012%; no homozygotes.

Submission:

PreventionGenetics, part of Exact Sciences
Classification: Uncertain significance for MAGEL2-related condition. Last evaluated: 2024-03-25. Review status: no assertion criteria provided. Collection method: clinical testing. Allele origin: germline.
Comment: The MAGEL2 c.571C>T variant is predicted to result in the amino acid substitution p.His191Tyr. To our knowledge, this variant has not been reported in the literature. This variant is reported in 0.0019% of alleles in individuals of European (Non-Finnish) descent in gnomAD. At this time, the clinical significance of this variant is uncertain due to the absence of conclusive functional and genetic evidence.

NM_019066.5(MAGEL2):c.571C>T (p.His191Tyr)

Gene: MAGEL2 (MAGE family member L2; minus strand). Cytogenetic location: 15q11.2.
Variant type: single nucleotide variant.
Coding change: c.571C>T on transcript NM_019066.5 (MANE Select); coding-DNA position 571, C replaced by T.
Protein change: p.His191Tyr; replaces histidine 191 with tyrosine.
Molecular consequence: missense variant.
Genome position (GRCh38, 1-based): chr15:23,647,172, G>A on the plus strand (C>T on the coding strand, the complement: MAGEL2 is on the minus strand). VCF-style: chr15-23647172-G-A. GRCh37 (hg19) VCF-style: chr15-23892319-G-A.
Other names: short protein forms H191Y.
Identifiers: ClinVar variation 3357657 (VCV003357657.1).
Genomic context (GRCh38, chr15:23,647,172, plus strand): 5'-GAGCCATCGGTGTCCCCGGAGGGGGAGGATGAGCCATCGGTGTCCCCGGAGGGGGAGGAT[G>A]AGCCATCGGGGTCCCCGGAGGAGGAGGATGCACCATCGGGGTCCCCGGAGGAGGAGGATG-3'
Protein context (NP_061939.3, residues 181-201): HPPPPGTPMA[His191Tyr]PPPPGTPMAH